The following is an entry in ClinVar:

ClinVar aggregate classification (germline): Pathogenic (0 of 4 stars; one submission).

Conditions:
Malignant lymphoma, large B-cell, diffuse. Also called: Diffuse large B cell lymphoma. Identifiers: Orphanet 544, MedGen C0079744, MeSH D016403, MONDO:0018905.

Submission:

Department Of Pathology & Laboratory Medicine, University Of Pennsylvania
Classification: Pathogenic for Malignant lymphoma, large B-cell, diffuse. Last evaluated: 2023-12-04. Review status: no assertion criteria provided. Collection method: clinical testing. Allele origin: somatic. Affected: yes. Observed: 1 variant allele.
Comment: Post-initial therapy specimen.

NM_000535.7(PMS2):c.163+2T>G

Gene: PMS2 (PMS1 homolog 2, mismatch repair system component; minus strand). Cytogenetic location: 7p22.1.
Variant type: single nucleotide variant.
Coding change: c.163+2T>G on transcript NM_000535.7 (MANE Select); the canonical splice donor site of the intron after coding-DNA position 163, T replaced by G.
Molecular consequence: splice donor variant. On other transcripts: intron variant (7).
Genome position (GRCh38, 1-based): chr7:6,005,890, A>C on the plus strand (T>G on the coding strand, the complement: PMS2 is on the minus strand). VCF-style: chr7-6005890-A-C. GRCh37 (hg19) VCF-style: chr7-6045521-A-C.
Other names: c.-52-1832T>G (NM_001322008.2); c.-218-1832T>G (NM_001406881.1); c.-189-1832T>G (NM_001406895.1); c.-242-1832T>G (NM_001406911.1, NM_001322010.2, NM_001322004.2); c.-321-1832T>G (NM_001406879.1); c.-53+2T>G (NM_001406902.1, NM_001406883.1, NM_001406896.1 and 4 more transcripts); c.-190+2T>G (NM_001406904.1, NM_001406889.1, NM_001406909.1 and 5 more transcripts); c.-243+2T>G (NM_001322013.2, NM_001406905.1, NM_001406906.1 and 10 more transcripts); and 7 more.
Identifiers: ClinVar variation 2671889 (VCV002671889.2), dbSNP rs587779329, ClinGen allele CA366744940.
Genomic context (GRCh38, chr7:6,005,890, plus strand): 5'-TTTCTTAACTACAACAACATTCACAGATCATTTCTTGTGGCTTAAAACTCTCCCAAACTT[A>C]CCAATATTAGTGGCACCAGCATCCAGACTGTTTTCTACTAACTCCTTTACCGCAGTGCTT-3'